The following is an entry in ClinVar:

ClinVar aggregate classification (germline): Likely pathogenic (1 of 4 stars; one submission).

Conditions:
Autosomal recessive polycystic kidney disease (ARPKD). Also called: AR polycystic kidney disease. Identifiers: Orphanet 731, Orphanet 8378, MedGen C0085548, MeSH D017044, MONDO:0009889.

Submission:

Natera, Inc.
Classification: Likely pathogenic for Autosomal recessive polycystic kidney disease. Last evaluated: 2024-10-10. Review status: criteria provided, single submitter. Criteria: Natera Variant Classification Schema (03/2026). Collection method: clinical testing. Allele origin: germline.
Comment: The c.2781dupA variant in PKHD1 is a frameshift variant predicted to shift the reading frame beginning at codon 928 and leads to a stop codon 14 codons downstream. This variant is expected to result in nonsense mediated decay, truncation, or a dysfunctional protein product. This variant is rare in the general population with a frequency below the threshold expected for the associated phenotype(s). Given the available evidence, this variant is classified as Likely Pathogenic.

NM_138694.4(PKHD1):c.2781dup (p.Gly928fs)

Gene: PKHD1 (PKHD1 ciliary IPT domain containing fibrocystin/polyductin; minus strand). Cytogenetic location: 6p12.2.
Variant type: Duplication.
Coding change: c.2781dup on transcript NM_138694.4 (MANE Select); coding-DNA position 2781, one base duplicated (A; older notation c.2781dupA).
Protein change: p.Gly928fs; shifts the reading frame from glycine 928.
Molecular consequence: frameshift variant.
Genome position (GRCh38, 1-based): chr6:52,043,665, T duplicated on the plus strand (A on the coding strand, the reverse complement: PKHD1 is on the minus strand); the first of 2 consecutive T bases (chr6:52,043,665-52,043,666); duplicating either gives the same sequence. VCF-style (leftmost placement, unchanged base first): chr6-52043664-C-CT. GRCh37 (hg19) VCF-style: chr6-51908462-C-CT.
Other names: c.2781dup, p.Gly928fs (NM_170724.3); short protein forms G928fs.
Identifiers: ClinVar variation 4816620 (VCV004816620.1).